The following is an entry in ClinVar:

NM_004415.4(DSP):c.7581G>A (p.Gln2527=)

Gene: DSP (desmoplakin; plus strand). Cytogenetic location: 6p24.3.
Variant type: single nucleotide variant.
Coding change: c.7581G>A on transcript NM_004415.4 (MANE Select); coding-DNA position 7581, G replaced by A.
Protein change: p.Gln2527=; no amino-acid change (glutamine 2527 retained).
Molecular consequence: synonymous variant.
Genome position (GRCh38, 1-based): chr6:7,584,843, G>A. VCF-style: chr6-7584843-G-A. GRCh37 (hg19) VCF-style: chr6-7585076-G-A.
Other names: c.7581G>A (LRG_423t1); c.5784G>A, p.Gln1928= (NM_001008844.3); c.6252G>A, p.Gln2084= (NM_001319034.2).
Identifiers: ClinVar variation 246671 (VCV000246671.16), dbSNP rs879254350, ClinGen allele CA10584682.

ClinVar aggregate classification (germline): Likely benign. Review status: criteria provided, multiple submitters, no conflicts (2 of 4 stars). 4 submissions from 4 submitters: Likely benign (4). Last evaluated 2025-08-25.

Conditions:
Cardiovascular phenotype. Identifiers: MedGen CN230736.
Arrhythmogenic cardiomyopathy with wooly hair and keratoderma. Also called: PALMOPLANTAR KERATODERMA WITH LEFT VENTRICULAR CARDIOMYOPATHY AND WOOLLY HAIR; Carvajal syndrome; Arrhythmogenic cardiomyopathy with woolly hair and keratoderma; Dilated cardiomyopathy with woolly hair and keratoderma. Identifiers: Orphanet 65282, MedGen C1854063, MONDO:0011581, OMIM 605676.
Arrhythmogenic right ventricular dysplasia 8 (ARVD8). Also called: Arrhythmogenic Right Ventricular Dysplasia/Cardiomyopathy 8; ARRHYTHMOGENIC RIGHT VENTRICULAR DYSPLASIA, FAMILIAL, 8; ARRHYTHMOGENIC RIGHT VENTRICULAR CARDIOMYOPATHY 8. Identifiers: MedGen C1843896, MONDO:0011831, OMIM 607450.
Cardiomyopathy (CMYO). Also called: Cardiomyopathies. Identifiers: Orphanet 167848, MedGen C0878544, MONDO:0004994, HP:0001638. Inheritance: Various modes of inheritance.

Allele frequency attached by ClinVar (database versions not stated): gnomAD exomes below 0.00001; TOPMed below 0.00001.
gnomAD v4.1: 7 of 1,614,208 alleles (0.00043%); highest among the groups gnomAD compares: Non-Finnish European, 0.00059%; no homozygotes.

Submissions (4):

Labcorp Genetics (formerly Invitae), Labcorp
Classification: Likely benign for Arrhythmogenic cardiomyopathy with wooly hair and keratoderma; Arrhythmogenic right ventricular dysplasia 8. Last evaluated: 2025-08-25. Review status: criteria provided, single submitter. Criteria: Invitae Variant Classification Sherloc (09022015). Collection method: clinical testing. Allele origin: germline.

All of Us Research Program, National Institutes of Health
Classification: Likely benign for Arrhythmogenic cardiomyopathy with wooly hair and keratoderma. Last evaluated: 2024-08-06. Review status: criteria provided, single submitter. Criteria: ACMG Guidelines, 2015. Collection method: clinical testing. Allele origin: germline. Inheritance: Autosomal dominant inheritance. Observed: 3 variant alleles, 3 heterozygotes.
Comment: This study involves interpretation of variants in research participants for the purpose of population health screening. Participant phenotype was not available at the time of variant classification. Additional details can be found in publication PMID: 35346344, PMCID: PMC8962531

Ambry Genetics
Classification: Likely benign for Cardiovascular phenotype. Last evaluated: 2023-09-06. Review status: criteria provided, single submitter. Criteria: Ambry Variant Classification Scheme 2023. Collection method: clinical testing. Allele origin: germline.

Color Diagnostics, LLC DBA Color Health
Classification: Likely benign for Cardiomyopathy. Last evaluated: 2022-11-06. Review status: criteria provided, single submitter. Criteria: ACMG Guidelines, 2015. Collection method: clinical testing. Allele origin: germline.